The following is an entry in ClinVar:

NM_017617.5(NOTCH1):c.6219C>G (p.Ser2073Arg)

Gene: NOTCH1 (notch receptor 1; minus strand). Cytogenetic location: 9q34.3.
Variant type: single nucleotide variant.
Coding change: c.6219C>G on transcript NM_017617.5 (MANE Select); coding-DNA position 6219, C replaced by G.
Protein change: p.Ser2073Arg; replaces serine 2073 with arginine.
Molecular consequence: missense variant.
Genome position (GRCh38, 1-based): chr9:136,497,520, G>C on the plus strand (C>G on the coding strand, the complement: NOTCH1 is on the minus strand). VCF-style: chr9-136497520-G-C. GRCh37 (hg19) VCF-style: chr9-139391972-G-C.
Other names: c.6219C>G (NM_017617.4); short protein forms S2073R.
Identifiers: ClinVar variation 2014087 (VCV002014087.6), dbSNP rs1162682313, ClinGen allele CA375632213.
Genomic context (GRCh38, chr9:136,497,520, plus strand): 5'-CATATGATCCGTGATGTCCCGGTTGGCAAAGTGGTCCAGCAGCACCTTGGCGGTCTCGTA[G>C]CTGCCCTCCCGGGCGGCCAGAAACAGGGGTGTCTCCTCCTGGGGGATGAGGGCGGGGGCC-3'
Protein context (NP_060087.3, residues 2063-2083): TPLFLAAREG[Ser2073Arg]YETAKVLLDH

ClinVar aggregate classification (germline): Uncertain significance. Review status: criteria provided, single submitter (1 of 4 stars). 2 submissions from 2 submitters: Uncertain significance (1). 1 of the submissions does not count toward it. Last evaluated 2022-07-08.

Conditions:
NOTCH1-related disorder. Also called: NOTCH1-related condition; NOTCH1-related disorders.
Adams-Oliver syndrome 5 (AOS5). Identifiers: Orphanet 974, MedGen C4014970, MONDO:0014459, OMIM 616028.

Submissions (2):

Labcorp Genetics (formerly Invitae), Labcorp
Classification: Uncertain significance for Adams-Oliver syndrome 5. Last evaluated: 2022-07-08. Review status: criteria provided, single submitter. Criteria: Invitae Variant Classification Sherloc (09022015). Collection method: clinical testing. Allele origin: germline.
Comment: In summary, the available evidence is currently insufficient to determine the role of this variant in disease. Therefore, it has been classified as a Variant of Uncertain Significance. Advanced modeling of protein sequence and biophysical properties (such as structural, functional, and spatial information, amino acid conservation, physicochemical variation, residue mobility, and thermodynamic stability) performed at Invitae indicates that this missense variant is not expected to disrupt NOTCH1 protein function. This variant has not been reported in the literature in individuals affected with NOTCH1-related conditions. This variant is not present in population databases (gnomAD no frequency). This sequence change replaces serine, which is neutral and polar, with arginine, which is basic and polar, at codon 2073 of the NOTCH1 protein (p.Ser2073Arg).

PreventionGenetics, part of Exact Sciences
Classification: Uncertain significance for NOTCH1-related condition. Last evaluated: 2024-02-15. Review status: no assertion criteria provided. Collection method: clinical testing. Allele origin: germline. Not counted in ClinVar's aggregate classification.
Comment: The NOTCH1 c.6219C>G variant is predicted to result in the amino acid substitution p.Ser2073Arg. To our knowledge, this variant has not been reported in the literature or in a large population database, indicating this variant is rare. Although we suspect that this variant may be pathogenic, at this time, the clinical significance of this variant is uncertain due to the absence of conclusive functional and genetic evidence.